The following is an entry in ClinVar:

NM_194454.3(KRIT1):c.931del (p.Arg311fs)

Gene: KRIT1 (KRIT1 ankyrin repeat containing; minus strand). Cytogenetic location: 7q21.2.
Variant type: Deletion.
Coding change: c.931del on transcript NM_194454.3 (MANE Select); coding-DNA position 931, one base deleted (A; older notation c.931delA).
Protein change: p.Arg311fs; shifts the reading frame from arginine 311.
Molecular consequence: frameshift variant. On other transcripts: intron variant (3).
Genome position (GRCh38, 1-based): chr7:92,234,507, T deleted on the plus strand (A on the coding strand, the reverse complement: KRIT1 is on the minus strand); the first of 3 consecutive T bases (chr7:92,234,507-92,234,509); deleting any one gives the same sequence. VCF-style (leftmost placement, unchanged base first): chr7-92234506-CT-C. GRCh37 (hg19) VCF-style: chr7-91863820-CT-C.
Other names: c.931delA (NM_194456.1); c.217del, p.Arg73fs (NM_001350671.1); c.931del, p.Arg311fs (NM_001350672.1, NM_001350673.1, NM_001350674.1 and 26 more transcripts); c.845+301del (NM_001350669.1, NM_001013406.2, NM_001350670.1); short protein forms R311fs, R73fs.
Identifiers: ClinVar variation 4999167 (VCV004999167.1).

ClinVar aggregate classification (germline): Likely pathogenic (1 of 4 stars; one submission).

Conditions:
KRIT1-related disorder. Also called: KRIT1-related disorders; KRIT1-related condition.

Submission:

PreventionGenetics, part of Exact Sciences
Classification: Likely pathogenic for KRIT1-related condition. Last evaluated: 2025-08-05. Review status: criteria provided, single submitter. Criteria: ACMG Guidelines, 2015. Collection method: clinical testing. Allele origin: germline.
Comment: The KRIT1 c.931delA variant is predicted to result in a frameshift and premature protein termination (p.Arg311Aspfs*7). To our knowledge, this variant has not been reported in the literature or in a large population database (gnomAD), indicating this variant is rare. Frameshift variants in KRIT1 are expected to be pathogenic. This variant is interpreted as likely pathogenic.